The following is an entry in ClinVar:

ClinVar aggregate classification (germline): Likely benign. Review status: criteria provided, single submitter (1 of 4 stars). 2 submissions from 2 submitters: Likely benign (1). 1 of the submissions does not count toward it. Last evaluated 2022-09-01.

Conditions:
GPRASP2-related disorder. Also called: GPRASP2-related condition.

Allele frequency attached by ClinVar (database versions not stated): ExAC 0.00035; gnomAD 0.00039; gnomAD exomes 0.00046; ESP Exome Variant Server 0.00057; TOPMed 0.00061.
gnomAD v4.1: 497 of 1,079,371 alleles (0.046%); highest among the groups gnomAD compares: Admixed American, 0.075%; no homozygotes.

Submissions (2):

CeGaT Center for Human Genetics Tuebingen
Classification: Likely benign. Last evaluated: 2022-09-01. Review status: criteria provided, single submitter. Criteria: CeGaT Center For Human Genetics Tuebingen Variant Classification Criteria Version 2. Collection method: clinical testing. Allele origin: germline. Affected: yes. Observed: 1 variant allele.
Comment: GPRASP2: BP4, BP7

PreventionGenetics, part of Exact Sciences
Classification: Likely benign for GPRASP2-related condition. Last evaluated: 2019-05-28. Review status: no assertion criteria provided. Collection method: clinical testing. Allele origin: germline. Not counted in ClinVar's aggregate classification.
Comment: This variant is classified as likely benign based on ACMG/AMP sequence variant interpretation guidelines (Richards et al. 2015 PMID: 25741868, with internal and published modifications).

NM_001004051.4(GPRASP2):c.2484C>T (p.Asn828=)

Genes: ARMCX5-GPRASP2 (ARMCX5-GPRASP2 readthrough; plus strand), GPRASP2 (G protein-coupled receptor associated sorting protein 2; plus strand). Cytogenetic location: Xq22.1.
Variant type: single nucleotide variant.
Coding change: c.2484C>T on transcript NM_001004051.4 (MANE Select); coding-DNA position 2484, C replaced by T.
Protein change: p.Asn828=; no amino-acid change (asparagine 828 retained).
Molecular consequence: synonymous variant. On other transcripts: intron variant (3).
Genome position (GRCh38, 1-based): chrX:102,717,353, C>T. VCF-style: chrX-102717353-C-T. GRCh37 (hg19) VCF-style: chrX-101972281-C-T.
Other names: c.2484C>T, p.Asn828= (NM_001199818.1, NM_001184874.3, NM_001184875.3 and 2 more transcripts); c.-820+3087C>T (NM_001350268.2); c.-752+3087C>T (NM_001350269.2); c.-721+3087C>T (NM_001350270.1).
Identifiers: ClinVar variation 2661085 (VCV002661085.25), dbSNP rs146118714, ClinGen allele CA10476665.